The following is an entry in ClinVar:

NM_014249.4(NR2E3):c.289C>T (p.Arg97Cys)

Gene: NR2E3 (nuclear receptor subfamily 2 group E member 3; plus strand). Cytogenetic location: 15q23.
Variant type: single nucleotide variant.
Coding change: c.289C>T on transcript NM_014249.4 (MANE Select); coding-DNA position 289, C replaced by T.
Protein change: p.Arg97Cys; replaces arginine 97 with cysteine.
Molecular consequence: missense variant.
Genome position (GRCh38, 1-based): chr15:71,811,809, C>T. VCF-style: chr15-71811809-C-T. GRCh37 (hg19) VCF-style: chr15-72104149-C-T.
Other names: c.289C>T, p.Arg97Cys (NM_016346.4); short protein forms R97C.
Identifiers: ClinVar variation 867090 (VCV000867090.8), dbSNP rs775720634, ClinGen allele CA272574991.
Genomic context (GRCh38, chr15:71,811,809, plus strand): 5'-CTCCTCTTCACCTGCAGGTGCCAGGTGGGGGCAGGGATGTGCCCCGTGGACAAGGCCCAC[C>T]GCAACCAGTGCCAGGCCTGCCGGCTGAAGAAGTGCCTGCAGGCGGGGATGAACCAGGACG-3'
Protein context (NP_055064.1, residues 87-107): AGMCPVDKAH[Arg97Cys]NQCQACRLKK

ClinVar aggregate classification (germline): Conflicting classifications of pathogenicity. Review status: criteria provided, conflicting classifications (1 of 4 stars). 5 submissions from 5 submitters: Pathogenic (1); Uncertain significance (3). 1 of the submissions does not count toward it. Last evaluated 2025-02-24.

Conditions:
Retinal dystrophy. Also called: Inherited retinal dystrophy. Identifiers: Orphanet 71862, MedGen C0854723, MeSH D058499, MONDO:0019118, HP:0000556.
Enhanced S-cone syndrome (ESCS). Identifiers: Orphanet 53540, MedGen C1849394, MONDO:0100288, MONDO:0009989.
NR2E3-related disorder. Also called: NR2E3-related condition; NR2E3-related disorders. Identifiers: MedGen CN239387.

Allele frequency attached by ClinVar (database versions not stated): gnomAD below 0.00001 and 0.00001; TOPMed 0.00001.

Submissions (5):

PreventionGenetics, part of Exact Sciences
Classification: Uncertain significance for NR2E3-related condition. Last evaluated: 2025-02-24. Review status: criteria provided, single submitter. Criteria: ACMG Guidelines, 2015. Collection method: clinical testing. Allele origin: germline.
Comment: The NR2E3 c.289C>T variant is predicted to result in the amino acid substitution p.Arg97Cys. To our knowledge, this variant has not been reported in the literature or in a large population database (gnomAD), indicating this variant is rare. A variant impacting the same amino acid position (p.Arg97His) has been reported in the homozygous state in individuals with enhanced S-cone syndrome or inherited retinal disease (Haider et al. 2000. PubMed ID: 10655056; Table S5, Huang et al. 2015. PubMed ID: 25356976) At this time, the clinical significance of this variant is uncertain due to the absence of conclusive functional and genetic evidence.

Dept Of Ophthalmology, Nagoya University
Classification: Uncertain significance for Retinal dystrophy. Last evaluated: 2023-10-01. Review status: criteria provided, single submitter. Criteria: Submitter's publication. Collection method: research. Allele origin: germline. Affected: yes.

Labcorp Genetics (formerly Invitae), Labcorp
Classification: Uncertain significance. Last evaluated: 2022-10-03. Review status: criteria provided, single submitter. Criteria: Invitae Variant Classification Sherloc (09022015). Collection method: clinical testing. Allele origin: germline.
Comment: This sequence change replaces arginine, which is basic and polar, with cysteine, which is neutral and slightly polar, at codon 97 of the NR2E3 protein (p.Arg97Cys). This variant is not present in population databases (gnomAD no frequency). This variant has not been reported in the literature in individuals affected with NR2E3-related conditions. ClinVar contains an entry for this variant (Variation ID: 867090). Experimental studies and prediction algorithms are not available or were not evaluated, and the functional significance of this variant is currently unknown. In summary, the available evidence is currently insufficient to determine the role of this variant in disease. Therefore, it has been classified as a Variant of Uncertain Significance.

Blueprint Genetics
Classification: Pathogenic for NR2E3-related disorders. Last evaluated: 2022-01-26. Review status: criteria provided, single submitter. Criteria: ACMG Guidelines, 2015. Collection method: clinical testing. Allele origin: germline. Affected: yes. Observed: 5 variant alleles.

Natera, Inc.
Classification: Uncertain significance for Enhanced S cone syndrome. Last evaluated: 2020-12-04. Review status: no assertion criteria provided. Collection method: clinical testing. Allele origin: germline. Not counted in ClinVar's aggregate classification.